The following is an entry in ClinVar:

ClinVar aggregate classification (germline): Likely benign. Review status: criteria provided, multiple submitters, no conflicts (2 of 4 stars). 4 submissions from 4 submitters: Likely benign (3). 1 of the submissions does not count toward it. Last evaluated 2023-09-01.

Conditions:
EPCAM-related disorder. Also called: EPCAM-related condition.
Hereditary cancer-predisposing syndrome. Also called: Neoplastic Syndromes, Hereditary; Tumor predisposition; Hereditary Cancer Syndrome; Hereditary neoplastic syndrome. Identifiers: Orphanet 140162, MedGen C0027672, MeSH D009386, MONDO:0015356.

Allele frequency attached by ClinVar (database versions not stated): gnomAD 0.00003; TOPMed 0.00006; ESP Exome Variant Server 0.00008.
gnomAD v4.1: 39 of 1,610,992 alleles (0.0024%); highest among the groups gnomAD compares: East Asian, 0.0045%; no homozygotes.

Submissions (4):

Blueprint Genetics
Classification: Likely benign. Last evaluated: 2023-09-01. Review status: criteria provided, single submitter. Criteria: ACMG Guidelines, 2015. Collection method: clinical testing. Allele origin: germline.

Ambry Genetics
Classification: Likely benign for Hereditary cancer-predisposing syndrome. Last evaluated: 2022-04-21. Review status: criteria provided, single submitter. Criteria: Ambry Variant Classification Scheme 2023. Collection method: clinical testing. Allele origin: germline.

Labcorp Genetics (formerly Invitae), Labcorp
Classification: Likely benign. Last evaluated: 2015-10-30. Review status: criteria provided, single submitter. Criteria: Invitae Variant Classification Sherloc (09022015). Collection method: clinical testing. Allele origin: germline.

PreventionGenetics, part of Exact Sciences
Classification: Likely benign for EPCAM-related condition. Last evaluated: 2019-08-22. Review status: no assertion criteria provided. Collection method: clinical testing. Allele origin: germline. Not counted in ClinVar's aggregate classification.
Comment: This variant is classified as likely benign based on ACMG/AMP sequence variant interpretation guidelines (Richards et al. 2015 PMID: 25741868, with internal and published modifications).

NM_002354.3(EPCAM):c.516G>A (p.Thr172=)

Gene: EPCAM (epithelial cell adhesion molecule; plus strand). Cytogenetic location: 2p21.
Variant type: single nucleotide variant.
Coding change: c.516G>A on transcript NM_002354.3 (MANE Select); coding-DNA position 516, G replaced by A.
Protein change: p.Thr172=; no amino-acid change (threonine 172 retained).
Molecular consequence: synonymous variant.
Genome position (GRCh38, 1-based): chr2:47,377,038, G>A. VCF-style: chr2-47377038-G-A. GRCh37 (hg19) VCF-style: chr2-47604177-G-A.
Identifiers: ClinVar variation 215816 (VCV000215816.15), dbSNP rs371372017, ClinGen allele CA338339.